The following is an entry in ClinVar:

NM_006231.4(POLE):c.1A>C (p.Met1Leu)

Genes: POLE (DNA polymerase epsilon, catalytic subunit; minus strand), LOC130009266 (ATAC-STARR-seq lymphoblastoid silent region 5123; plus strand). Cytogenetic location: 12q24.33.
Variant type: single nucleotide variant.
Coding change: c.1A>C on transcript NM_006231.4 (MANE Select); coding-DNA position 1, A replaced by C.
Protein change: p.Met1Leu; changes the start codon (methionine 1).
Molecular consequence: missense variant, initiator codon variant.
Genome position (GRCh38, 1-based): chr12:132,687,315, T>G on the plus strand (A>C on the coding strand, the complement: POLE is on the minus strand). VCF-style: chr12-132687315-T-G. GRCh37 (hg19) VCF-style: chr12-133263901-T-G.
Other names: short protein forms M1L.
Identifiers: ClinVar variation 405585 (VCV000405585.19), dbSNP rs878854847, ClinGen allele CA16614075.

ClinVar aggregate classification (germline): Conflicting classifications of pathogenicity. Review status: criteria provided, conflicting classifications (1 of 4 stars). 7 submissions from 7 submitters: Pathogenic (1); Uncertain significance (6). Last evaluated 2026-08-18.

Conditions:
POLE-related disorder. Also called: POLE-related disorders; POLE-related condition.
Intrauterine growth retardation, metaphyseal dysplasia, adrenal hypoplasia congenita, genital anomalies, and immunodeficiency. Also called: IMAGEI SYNDROME. Identifiers: MedGen C5193036, MONDO:0032684, OMIM 618336.
Facial dysmorphism-immunodeficiency-livedo-short stature syndrome. Also called: Facial dysmorphism, immunodeficiency, livedo, and short stature; FILS syndrome. Identifiers: Orphanet 352712, MedGen C3554576, MONDO:0014058, OMIM 615139.
Colorectal cancer, susceptibility to, 12 (CRCS12). Also called: COLORECTAL CANCER, SUSCEPTIBILITY TO, ON CHROMOSOME 12q24. Identifiers: Orphanet 220460, MedGen C3554460, MONDO:0014038, OMIM 615083.
Hereditary cancer-predisposing syndrome. Also called: Neoplastic Syndromes, Hereditary; Tumor predisposition; Hereditary Cancer Syndrome; Hereditary neoplastic syndrome. Identifiers: Orphanet 140162, MedGen C0027672, MeSH D009386, MONDO:0015356.

Allele frequency attached by ClinVar (database versions not stated): gnomAD 0.00019.

Submissions (7):

PreventionGenetics, part of Exact Sciences
Classification: Uncertain significance for POLE-related condition. Last evaluated: 2026-08-18. Review status: criteria provided, single submitter. Criteria: ACMG Guidelines, 2015. Collection method: clinical testing. Allele origin: germline.
Comment: The POLE c.1A>C variant is predicted to disrupt the translation initiation site (Start Loss). To our knowledge, this variant has not been reported in the literature. A similar start loss variant has been reported in trans with a second pathogenic variant in individuals and families with clinical features consistent with IMAGe syndrome (Logan et al. 2018. PubMed ID: 30503519). The next in-frame methionine occurs at codon 44, and at the time of reporting, there are no pathogenic missense variants reported upstream of codon 44. This variant is reported in 0.013% of alleles in individuals of European (Non-Finnish) descent in gnomAD, and has conflicting interpretations in ClinVar ranging from uncertain to pathogenic (Variation ID: 405585). Although we suspect that this variant may be pathogenic, at this time, the clinical significance of this variant is uncertain due to the absence of conclusive functional and genetic evidence.

Labcorp Genetics (formerly Invitae), Labcorp
Classification: Pathogenic. Last evaluated: 2026-01-14. Review status: criteria provided, single submitter. Criteria: Invitae Variant Classification Sherloc (09022015). Collection method: clinical testing. Allele origin: germline.
Comment: This sequence change affects the initiator codon of the POLE mRNA. This change may impact translation initiation or efficiency. The next in-frame methionine is located at codon 44. This variant is present in population databases (no rsID available, gnomAD 0.01%). Disruption of the initiator codon has been observed in individual(s) with clinical features of autosomal recessive FILS syndrome (PMID: 30503519). In at least one individual the data is consistent with being in trans (on the opposite chromosome) from a pathogenic variant. It has also been observed to segregate with disease in related individuals. ClinVar contains an entry for this variant (Variation ID: 405585). For these reasons, this variant has been classified as Pathogenic.

Ambry Genetics
Classification: Uncertain significance for Hereditary cancer-predisposing syndrome. Last evaluated: 2024-12-24. Review status: criteria provided, single submitter. Criteria: Ambry Variant Classification Scheme 2023. Collection method: clinical testing. Allele origin: germline.
Comment: The p.M1? variant (also known as c.1A>C), located in coding exon 1 of the POLE gene, results from an A to C substitution at nucleotide position 1. This alters the methionine residue at the initiation codon (ATG). Another variant at this codon (c.1A>T) has been identified in conjunction with a second POLE variant (c.1686+32C>G) in individuals with features consistent with POLE deficiency; in at least one instance, the variants were identified in trans (Logan CV et al. Am J Hum Genet, 2018 Dec;103:1038-1044). This amino acid position is well conserved in available vertebrate species. In addition to the clinical data presented in the literature, sequence variations that modify the initiation codon are expected to result in either loss of translation initiation, N-terminal truncation, or cause a shift in the mRNA reading frame. Based on the supporting evidence, this alteration is pathogenic for POLE deficiency; however, the association of this alteration with POLE-related polymerase proofreading-associated polyposis (PPAP) and POLE-related CMMRD-like syndrome is unknown.

MGZ Medical Genetics Center
Classification: Uncertain significance for Colorectal cancer, susceptibility to, 12. Last evaluated: 2021-12-20. Review status: criteria provided, single submitter. Criteria: ACMG Guidelines, 2015. Collection method: clinical testing. Allele origin: germline. Affected: yes. Observed: 1 variant allele.
Comment: ACMG criteria applied: PM2_SUP, BP4

Fulgent Genetics
Classification: Uncertain significance for Colorectal cancer, susceptibility to, 12; Facial dysmorphism-immunodeficiency-livedo-short stature syndrome; Intrauterine growth retardation, metaphyseal dysplasia, adrenal hypoplasia congenita, genital anomalies, and immunodeficiency. Last evaluated: 2021-08-25. Review status: criteria provided, single submitter. Criteria: ACMG Guidelines, 2015. Collection method: clinical testing. Allele origin: unknown.

Quest Diagnostics Nichols Institute San Juan Capistrano
Classification: Uncertain significance. Last evaluated: 2017-09-08. Review status: criteria provided, single submitter. Criteria: Quest Diagnostics criteria. Collection method: clinical testing. Allele origin: germline.

GeneDx
Classification: Uncertain significance. Last evaluated: 2017-05-04. Review status: criteria provided, single submitter. Criteria: GeneDx Variant Classification (06012015). Collection method: clinical testing. Allele origin: germline. Affected: yes.
Comment: This variant alters the initiator Methionine codon, and the resultant protein would be described asâ€œp.Met1?â€ to signify that it is not known if the loss of Met1 prevents all protein translation or if an abnormal protein isproduced using an alternate Methionine codon. POLE c.1A>C has not been previously published as a pathogenicvariant, nor has it been reported as a benign polymorphism to our knowledge. Based on currently available evidence,we consider it to be a variant of uncertain significance.

Literature cited by the submitters: PubMed 30503519 (cited by Labcorp Genetics (formerly Invitae), Labcorp).